The following is an entry in ClinVar:

ClinVar aggregate classification (germline): Likely pathogenic. Review status: criteria provided, single submitter (1 of 4 stars). 3 submissions from 3 submitters: Likely pathogenic (1). 2 of the submissions do not count toward it. Last evaluated 2025-11-14.

Conditions:
Inborn genetic diseases. Identifiers: MedGen C0950123, MeSH D030342.
Autosomal dominant nonsyndromic hearing loss 3A. Identifiers: Orphanet 90635, MedGen C2675750, MONDO:0011103, OMIM 601544.

Submissions (3):

Ambry Genetics
Classification: Likely pathogenic for Inborn genetic diseases. Last evaluated: 2025-11-14. Review status: criteria provided, single submitter. Criteria: Ambry Variant Classification Scheme 2023. Collection method: clinical testing. Allele origin: germline.
Comment: The c.131G>C (p.W44S) alteration is located in exon 2 (coding exon 1) of the GJB2 gene. This alteration results from a G to C substitution at nucleotide position 131, causing the tryptophan (W) at amino acid position 44 to be replaced by a serine (S). for AD GJB2-related non-syndromic hearing loss; however, its clinical significance for AR GJB2-related non-syndromic hearing loss and AD GJB2-related syndromic hearing loss with ectodermal involvement is uncertain. This variant was not reported in population-based cohorts in the Genome Aggregation Database (gnomAD). This amino acid position is highly conserved in available vertebrate species. Based on internal structural analysis, W44S is deleterious. The variant is moderately destabilizing to the local structure (Ambry internal data). In multiple assays testing GJB2 function, this variant showed functionally abnormal results (Marziano, 2003; Yum, 2010; Zhang, 2011; Posukh, 2023). This alteration is predicted to be deleterious by in silico analysis. Based on the available evidence, this alteration is classified as likely pathogenic.

OMIM
Classification: Pathogenic for DEAFNESS, AUTOSOMAL DOMINANT 3A. Last evaluated: 2003-04-15. Review status: no assertion criteria provided. Collection method: literature only. Allele origin: germline. Not counted in ClinVar's aggregate classification.

GeneReviews
No classification provided. Condition: Autosomal dominant nonsyndromic hearing loss 3A. Review status: no classification provided. Collection method: literature only. Allele origin: germline. Not counted in ClinVar's aggregate classification.

Literature cited by the submitters: PubMed 12668604 (cited by Ambry Genetics and OMIM); PubMed 20096356 (cited by Ambry Genetics); PubMed 21040787 (cited by Ambry Genetics); PubMed 37892203 (cited by Ambry Genetics); NCBI Bookshelf NBK1536 (cited by GeneReviews).

NM_004004.6(GJB2):c.131G>C (p.Trp44Ser)

Gene: GJB2 (gap junction protein beta 2; minus strand). Cytogenetic location: 13q12.11.
Variant type: single nucleotide variant.
Coding change: c.131G>C on transcript NM_004004.6 (MANE Select); coding-DNA position 131, G replaced by C.
Protein change: p.Trp44Ser; replaces tryptophan 44 with serine.
Molecular consequence: missense variant.
Genome position (GRCh38, 1-based): chr13:20,189,451, C>G on the plus strand (G>C on the coding strand, the complement: GJB2 is on the minus strand). VCF-style: chr13-20189451-C-G. GRCh37 (hg19) VCF-style: chr13-20763590-C-G.
Other names: short protein forms W44S.
Identifiers: ClinVar variation 17031 (VCV000017031.4), dbSNP rs104894413, ClinGen allele CA257682.
Genomic context (GRCh38, chr13:20,189,451, plus strand): 5'-CACACGTTCTTGCAGCCTGGCTGCAGGGTGTTGCAGACAAAGTCGGCCTGCTCATCTCCC[C>G]ACACCTCCTTTGCAGCCACAACGAGGATCATAATGCGAAAAATGAAGAGGACGGTGAGCC-3'
Protein context (NP_003995.2, residues 34-54): MILVVAAKEV[Trp44Ser]GDEQADFVCN